The following is an entry in ClinVar:

NM_033380.3(COL4A5):c.1423+1G>T

Gene: COL4A5 (collagen type IV alpha 5 chain; plus strand). Cytogenetic location: Xq22.3.
Variant type: single nucleotide variant.
Coding change: c.1423+1G>T on transcript NM_033380.3 (MANE Select); the canonical splice donor site of the intron after coding-DNA position 1423, G replaced by T.
Molecular consequence: splice donor variant.
Genome position (GRCh38, 1-based): chrX:108,591,645, G>T. VCF-style: chrX-108591645-G-T. GRCh37 (hg19) VCF-style: chrX-107834875-G-T.
Other names: c.1423+1G>T (NM_000495.5).
Identifiers: ClinVar variation 1344659 (VCV001344659.7), dbSNP rs104886312, ClinGen allele CA413935020.
Genomic context (GRCh38, chrX:108,591,645, plus strand): 5'-CTCCAGGCCCCCCAGGATCTCCAGGTGATAAAGGACTCCAAGGAGAACAAGGAGTGAAAG[G>T]TTTGATCTCCAAACATATTCATTCCTTCATTTTCTTCATTCTTTCAAATCATCAGCAAAA-3'

ClinVar aggregate classification (germline): Pathogenic. Review status: criteria provided, single submitter (1 of 4 stars). 2 submissions from 2 submitters: Pathogenic (1). 1 of the submissions does not count toward it. Last evaluated 2023-10-03.

Conditions:
Autosomal dominant Alport syndrome (ATS3A). Also called: ALPORT SYNDROME 3A, AUTOSOMAL DOMINANT; Alport syndrome dominant type; Renal failure and sensorineural hearing loss. Identifiers: Orphanet 63, Orphanet 88918, MedGen C5882663, MONDO:0007086, OMIM 104200.

Submissions (3):

Labcorp Genetics (formerly Invitae), Labcorp
Classification: Pathogenic. Last evaluated: 2023-10-03. Review status: criteria provided, single submitter. Criteria: Invitae Variant Classification Sherloc (09022015). Collection method: clinical testing. Allele origin: germline.
Comment: This sequence change affects a donor splice site in intron 21 of the COL4A5 gene. It is expected to disrupt RNA splicing. Variants that disrupt the donor or acceptor splice site typically lead to a loss of protein function (PMID: 16199547), and loss-of-function variants in COL4A5 are known to be pathogenic (PMID: 9195222, 10752524, 14514738, 24854265, 26809805). This variant is not present in population databases (gnomAD no frequency). Disruption of this splice site has been observed in individuals with clinical features of Alport syndrome (PMID: 9848783, 30773290; Invitae). ClinVar contains an entry for this variant (Variation ID: 1344659). Algorithms developed to predict the effect of sequence changes on RNA splicing suggest that this variant may disrupt the consensus splice site. For these reasons, this variant has been classified as Pathogenic.

Yale Center for Mendelian Genomics, Yale University
Classification: Pathogenic for Autosomal dominant Alport syndrome. Last evaluated: 2019-02-14. Review status: no assertion criteria provided. Collection method: literature only. Allele origin: germline. Affected: yes. Observed: 1 hemizygote. Study: Yale Center for Mendelian Genomics. Not counted in ClinVar's aggregate classification.

Dr. Peter K. Rogan Lab, Western University
No classification provided (evidence only). Condition: Thyroid cancer, nonmedullary, 1. Review status: no classification provided. Collection method: in vitro. Allele origin: not applicable. Functional consequence: retained intron. Not counted in ClinVar's aggregate classification.

Literature cited by the submitters: PubMed 16199547 (cited by Labcorp Genetics (formerly Invitae), Labcorp); PubMed 9195222 (cited by Labcorp Genetics (formerly Invitae), Labcorp); PubMed 10752524 (cited by Labcorp Genetics (formerly Invitae), Labcorp); PubMed 14514738 (cited by Labcorp Genetics (formerly Invitae), Labcorp); PubMed 24854265 (cited by Labcorp Genetics (formerly Invitae), Labcorp); PubMed 26809805 (cited by Labcorp Genetics (formerly Invitae), Labcorp); PubMed 9848783 (cited by Labcorp Genetics (formerly Invitae), Labcorp); PubMed 30773290 (cited by Labcorp Genetics (formerly Invitae), Labcorp and Yale Center for Mendelian Genomics, Yale University).